The following is an entry in ClinVar:

NM_001042492.3(NF1):c.2248A>T (p.Thr750Ser)

Gene: NF1 (neurofibromin 1; plus strand). Cytogenetic location: 17q11.2.
Variant type: single nucleotide variant.
Coding change: c.2248A>T on transcript NM_001042492.3 (MANE Select); coding-DNA position 2248, A replaced by T.
Protein change: p.Thr750Ser; replaces threonine 750 with serine.
Molecular consequence: missense variant.
Genome position (GRCh38, 1-based): chr17:31,226,681, A>T. VCF-style: chr17-31226681-A-T. GRCh37 (hg19) VCF-style: chr17-29553699-A-T.
Other names: c.2248A>T, p.Thr750Ser (NM_000267.4); short protein forms T750S.
Identifiers: ClinVar variation 2122365 (VCV002122365.4), dbSNP rs748064845, ClinGen allele CA398982589.

ClinVar aggregate classification (germline): Uncertain significance (1 of 4 stars; one submission).

Conditions:
Neurofibromatosis, type 1 (NF1). Also called: NEUROFIBROMATOSIS, TYPE I, SOMATIC; Neurofibromatosis, type I; Peripheral type neurofibromatosis; VON RECKLINGHAUSEN DISEASE. Identifiers: Orphanet 636, MedGen C0027831, MONDO:0018975, OMIM 162200. Disease mechanism: loss of function.

Submission:

Labcorp Genetics (formerly Invitae), Labcorp
Classification: Uncertain significance for Neurofibromatosis, type 1. Last evaluated: 2022-04-07. Review status: criteria provided, single submitter. Criteria: Invitae Variant Classification Sherloc (09022015). Collection method: clinical testing. Allele origin: germline.
Comment: This sequence change replaces threonine, which is neutral and polar, with serine, which is neutral and polar, at codon 750 of the NF1 protein (p.Thr750Ser). This variant is not present in population databases (gnomAD no frequency). This variant has not been reported in the literature in individuals affected with NF1-related conditions. Algorithms developed to predict the effect of missense changes on protein structure and function are either unavailable or do not agree on the potential impact of this missense change (SIFT: "Tolerated"; PolyPhen-2: "Probably Damaging"; Align-GVGD: "Class C0"). In summary, the available evidence is currently insufficient to determine the role of this variant in disease. Therefore, it has been classified as a Variant of Uncertain Significance.